The following is an entry in ClinVar:

ClinVar aggregate classification (germline): Uncertain significance (1 of 4 stars; one submission).

Conditions:
Aicardi-Goutieres syndrome 4. Identifiers: Orphanet 51, MedGen C1835912, MONDO:0012472, OMIM 610333.

Allele frequency attached by ClinVar (database versions not stated): gnomAD exomes 0.00003 and 0.00008; ExAC 0.00004; gnomAD 0.00004; TOPMed 0.00006.
gnomAD v4.1: 121 of 1,614,070 alleles (0.0075%); highest among the groups gnomAD compares: Non-Finnish European, 0.0098%; no homozygotes.

Submission:

Labcorp Genetics (formerly Invitae), Labcorp
Classification: Uncertain significance for Aicardi-Goutieres syndrome 4. Last evaluated: 2022-09-27. Review status: criteria provided, single submitter. Criteria: Invitae Variant Classification Sherloc (09022015). Collection method: clinical testing. Allele origin: germline.
Comment: This sequence change replaces aspartic acid, which is acidic and polar, with histidine, which is basic and polar, at codon 59 of the RNASEH2A protein (p.Asp59His). This variant is present in population databases (rs766343269, gnomAD 0.006%). This variant has not been reported in the literature in individuals affected with RNASEH2A-related conditions. ClinVar contains an entry for this variant (Variation ID: 1408634). Advanced modeling of protein sequence and biophysical properties (such as structural, functional, and spatial information, amino acid conservation, physicochemical variation, residue mobility, and thermodynamic stability) performed at Invitae indicates that this missense variant is not expected to disrupt RNASEH2A protein function. In summary, the available evidence is currently insufficient to determine the role of this variant in disease. Therefore, it has been classified as a Variant of Uncertain Significance.

NM_006397.3(RNASEH2A):c.175G>C (p.Asp59His)

Gene: RNASEH2A (ribonuclease H2 subunit A; plus strand). Cytogenetic location: 19p13.13.
Variant type: single nucleotide variant.
Coding change: c.175G>C on transcript NM_006397.3 (MANE Select); coding-DNA position 175, G replaced by C.
Protein change: p.Asp59His; replaces aspartic acid 59 with histidine.
Molecular consequence: missense variant.
Genome position (GRCh38, 1-based): chr19:12,807,055, G>C. VCF-style: chr19-12807055-G-C. GRCh37 (hg19) VCF-style: chr19-12917869-G-C.
Other names: short protein forms D59H.
Identifiers: ClinVar variation 1408634 (VCV001408634.3), dbSNP rs766343269, ClinGen allele CA9231761.
Genomic context (GRCh38, chr19:12,807,055, plus strand): 5'-CCCTTCTCCCCAGGCCCCATGGTCTACGCCATCTGTTATTGTCCCCTGCCTCGCCTGGCA[G>C]ATCTGGAGGCGCTGAAAGTGGCAGGTGAGCCCGAGGTGTGCGTCTGGGGAAGGGATTCCT-3'
Protein context (NP_006388.2, residues 49-69): ICYCPLPRLA[Asp59His]LEALKVADSK